The following is an entry in ClinVar:

NM_002528.7(NTHL1):c.344C>G (p.Ala115Gly)

Gene: NTHL1 (nth like DNA glycosylase 1; minus strand). Cytogenetic location: 16p13.3.
Variant type: single nucleotide variant.
Coding change: c.344C>G on transcript NM_002528.7 (MANE Select); coding-DNA position 344, C replaced by G.
Protein change: p.Ala115Gly; replaces alanine 115 with glycine.
Molecular consequence: missense variant. On other transcripts: intron variant (1).
Genome position (GRCh38, 1-based): chr16:2,046,138, G>C on the plus strand (C>G on the coding strand, the complement: NTHL1 is on the minus strand). VCF-style: chr16-2046138-G-C. GRCh37 (hg19) VCF-style: chr16-2096139-G-C.
Other names: c.344C>G, p.Ala115Gly (NM_001318193.2); c.24+142C>G (NM_001318194.2); short protein forms A115G.
Identifiers: ClinVar variation 5025907 (VCV005025907.1).

ClinVar aggregate classification (germline): Uncertain significance (1 of 4 stars; one submission).

Conditions:
Hereditary cancer-predisposing syndrome. Also called: Neoplastic Syndromes, Hereditary; Tumor predisposition; Hereditary neoplastic syndrome; Hereditary Cancer Syndrome. Identifiers: Orphanet 140162, MedGen C0027672, MeSH D009386, MONDO:0015356.

Submission:

Ambry Genetics
Classification: Uncertain significance for Hereditary cancer-predisposing syndrome. Last evaluated: 2026-07-07. Review status: criteria provided, single submitter. Criteria: Ambry Variant Classification Scheme 2023. Collection method: clinical testing. Allele origin: germline.
Comment: The p.A123G variant (also known as c.368C>G), located in coding exon 2 of the NTHL1 gene, results from a C to G substitution at nucleotide position 368. The alanine at codon 123 is replaced by glycine, an amino acid with similar properties. This amino acid position is conserved. In addition, this alteration is predicted to be tolerated by in silico analysis. Based on the available evidence, the clinical significance of this variant remains unclear.